The following is an entry in ClinVar:

NM_152703.5(SAMD9L):c.2939G>A (p.Gly980Glu)

Gene: SAMD9L (sterile alpha motif domain containing 9 like; minus strand). Cytogenetic location: 7q21.2.
Variant type: single nucleotide variant.
Coding change: c.2939G>A on transcript NM_152703.5 (MANE Select); coding-DNA position 2939, G replaced by A.
Protein change: p.Gly980Glu; replaces glycine 980 with glutamic acid.
Molecular consequence: missense variant.
Genome position (GRCh38, 1-based): chr7:93,133,033, C>T on the plus strand (G>A on the coding strand, the complement: SAMD9L is on the minus strand). VCF-style: chr7-93133033-C-T. GRCh37 (hg19) VCF-style: chr7-92762346-C-T.
Other names: c.2939G>A, p.Gly980Glu (NM_001303496.3, NM_001303497.3, NM_001303498.3 and 5 more transcripts); short protein forms G980E.
Identifiers: ClinVar variation 3657335 (VCV003657335.2).

ClinVar aggregate classification (germline): Uncertain significance (1 of 4 stars; one submission).

Submission:

Labcorp Genetics (formerly Invitae), Labcorp
Classification: Uncertain significance. Last evaluated: 2025-10-17. Review status: criteria provided, single submitter. Criteria: Invitae Variant Classification Sherloc (09022015). Collection method: clinical testing. Allele origin: germline.
Comment: This sequence change replaces glycine, which is neutral and non-polar, with glutamic acid, which is acidic and polar, at codon 980 of the SAMD9L protein (p.Gly980Glu). This variant is not present in population databases (gnomAD no frequency). This variant has not been reported in the literature in individuals affected with SAMD9L-related conditions. ClinVar contains an entry for this variant (Variation ID: 3657335). Invitae Evidence Modeling of protein sequence and biophysical properties (such as structural, functional, and spatial information, amino acid conservation, physicochemical variation, residue mobility, and thermodynamic stability) indicates that this missense variant is not expected to disrupt SAMD9L protein function with a negative predictive value of 80%. In summary, the available evidence is currently insufficient to determine the role of this variant in disease. Therefore, it has been classified as a Variant of Uncertain Significance.